The following is an entry in ClinVar:

NM_000532.5(PCCB):c.1478del (p.Pro493fs)

Gene: PCCB (propionyl-CoA carboxylase subunit beta; plus strand). Cytogenetic location: 3q22.3.
Variant type: Deletion.
Coding change: c.1478del on transcript NM_000532.5 (MANE Select); coding-DNA position 1478, one base deleted (C; older notation c.1478delC).
Protein change: p.Pro493fs; shifts the reading frame from proline 493.
Molecular consequence: frameshift variant.
Genome position (GRCh38, 1-based): chr3:136,328,837, C deleted; the last of 3 consecutive C bases (chr3:136,328,835-136,328,837); deleting any one gives the same sequence. VCF-style (leftmost placement, unchanged base first): chr3-136328834-AC-A. GRCh37 (hg19) VCF-style: chr3-136047676-AC-A.
Other names: c.1478del (NM_000532.4); c.1478delC (NM_000532.4); c.1538del, p.Pro513fs (NM_001178014.2); short protein forms P513fs, P493fs.
Identifiers: ClinVar variation 1973629 (VCV001973629.9), dbSNP rs749509618, ClinGen allele CA2632201.

ClinVar aggregate classification (germline): Pathogenic/Likely pathogenic. Review status: criteria provided, multiple submitters, no conflicts (2 of 4 stars). 4 submissions from 4 submitters: Pathogenic (1); Likely pathogenic (3). Last evaluated 2026-01-21.

Conditions:
Propionic acidemia (PROP). Also called: GLYCINEMIA, KETOTIC; HYPERGLYCINEMIA WITH KETOACIDOSIS AND LEUKOPENIA; KETOTIC HYPERGLYCINEMIA. Identifiers: Orphanet 35, MedGen C0268579, MONDO:0011628, OMIM 606054, HP:0003571.
PCCB-related disorder. Also called: PCCB-related condition.

Submissions (4):

Natera, Inc.
Classification: Likely pathogenic for Propionic acidemia. Last evaluated: 2026-01-21. Review status: criteria provided, single submitter. Criteria: Natera Variant Classification Schema (03/2026). Collection method: clinical testing. Allele origin: germline.
Comment: The c.1478del variant in PCCB is a frameshift variant predicted to elongate the protein beyond the termination codon. This variant is expected to result in nonsense mediated decay, truncation, or a dysfunctional protein product. This variant is rare in the general population with a frequency below the threshold expected for the associated phenotype(s). Given the available evidence, this variant is classified as Likely Pathogenic.

Baylor Genetics
Classification: Likely pathogenic for Propionic acidemia. Last evaluated: 2024-01-27. Review status: criteria provided, single submitter. Criteria: ACMG Guidelines, 2015. Collection method: clinical testing. Allele origin: unknown.

PreventionGenetics, part of Exact Sciences
Classification: Likely pathogenic for PCCB-related condition. Last evaluated: 2023-03-31. Review status: criteria provided, single submitter. Criteria: ACMG Guidelines, 2015. Collection method: clinical testing. Allele origin: germline.
Comment: The PCCB c.1478delC variant is predicted to result in a frameshift and premature protein termination (p.Pro493Leufs*58). This variant is located near the 3' end of penultimate exon of PCCB and is not predicted to undergo nonsense-mediated mRNA decay. It is, however, predicted to disrupt the last 47 amino acids of the PCCB protein, and result in an extension of 10 amino acids beyond the canonical stop codon. Other missense and predicted loss-of-function variants have been reported in this region of PCCB in propionic acidemia patients (e.g., Rodriguez-Pombo et al. 1998. PubMed ID: 9683601; Sanchez-Alcudia et al. 2012. PubMed ID: 22334403; Human Gene Mutation Database, HGMD). This variant is reported in 0.012% of alleles in individuals of African descent in gnomAD. Frameshift variants in PCCB are expected to be pathogenic. Taken together, this variant is interpreted as likely pathogenic.

Labcorp Genetics (formerly Invitae), Labcorp
Classification: Pathogenic for Propionic acidemia. Last evaluated: 2022-04-24. Review status: criteria provided, single submitter. Criteria: Invitae Variant Classification Sherloc (09022015). Collection method: clinical testing. Allele origin: germline.
Comment: For these reasons, this variant has been classified as Pathogenic. This variant disrupts a region of the PCCB protein in which other variant(s) (p.Asn536Asp) have been determined to be pathogenic (PMID: 11136555, 12007220, 12757933, 12888983, 22033733, 23053474, 28649556, 30013935). This suggests that this is a clinically significant region of the protein, and that variants that disrupt it are likely to be disease-causing. This variant has not been reported in the literature in individuals affected with PCCB-related conditions. This variant is present in population databases (rs749509618, gnomAD 0.01%). This sequence change results in a frameshift in the PCCB gene (p.Pro493Leufs*58). While this is not anticipated to result in nonsense mediated decay, it is expected to disrupt the last 47 amino acid(s) of the PCCB protein and extend the protein by 10 additional amino acid residues.

Literature cited by the submitters: PubMed 11136555 (cited by Labcorp Genetics (formerly Invitae), Labcorp); PubMed 12007220 (cited by Labcorp Genetics (formerly Invitae), Labcorp); PubMed 12757933 (cited by Labcorp Genetics (formerly Invitae), Labcorp); PubMed 12888983 (cited by Labcorp Genetics (formerly Invitae), Labcorp); PubMed 22033733 (cited by Labcorp Genetics (formerly Invitae), Labcorp); PubMed 23053474 (cited by Labcorp Genetics (formerly Invitae), Labcorp); PubMed 28649556 (cited by Labcorp Genetics (formerly Invitae), Labcorp); PubMed 30013935 (cited by Labcorp Genetics (formerly Invitae), Labcorp).